The following is an entry in ClinVar:

ClinVar aggregate classification (germline): Pathogenic (1 of 4 stars; one submission).

gnomAD v4.1: 1 of 1,613,906 alleles (0.000062%); highest among the groups gnomAD compares: Non-Finnish European, 0.000085%; no homozygotes.

Submission:

GeneDx
Classification: Pathogenic. Last evaluated: 2024-12-07. Review status: criteria provided, single submitter. Criteria: GeneDx Variant Classification Process June 2021. Collection method: clinical testing. Allele origin: germline. Affected: yes.
Comment: Nonsense variant predicted to result in protein truncation or nonsense mediated decay in a gene or region of a gene for which loss of function is not a well-established mechanism of disease; Not observed at significant frequency in large population cohorts (gnomAD); Has not been previously published as pathogenic or benign to our knowledge

NM_001281775.3(ZMYND8):c.1624C>T (p.Arg542Ter)

Gene: ZMYND8 (zinc finger MYND-type containing 8; minus strand). Cytogenetic location: 20q13.12.
Variant type: single nucleotide variant.
Coding change: c.1624C>T on transcript NM_001281775.3 (MANE Select); coding-DNA position 1624, C replaced by T.
Protein change: p.Arg542Ter; replaces arginine 542 with a stop codon.
Molecular consequence: nonsense.
Genome position (GRCh38, 1-based): chr20:47,249,437, G>A on the plus strand (C>T on the coding strand, the complement: ZMYND8 is on the minus strand). VCF-style: chr20-47249437-G-A. GRCh37 (hg19) VCF-style: chr20-45878181-G-A.
Other names: c.1549C>T, p.Arg517Ter (NM_001281771.3, NM_001281777.3, NM_001281778.3 and 2 more transcripts); c.1564C>T, p.Arg522Ter (NM_001281772.3, NM_001281773.3, NM_001281774.3 and 1 more transcripts); c.1624C>T, p.Arg542Ter (NM_001281776.3, NM_001281783.3, NM_012408.6 and 1 more transcripts); c.820C>T, p.Arg274Ter (NM_001281779.3, NM_001281780.3); c.1408C>T, p.Arg470Ter (NM_001281781.3, NM_001281784.3); c.1645C>T, p.Arg549Ter (NM_001363714.1); short protein forms R274*, R470*, R517*, R522*, R542*, R549*.
Identifiers: ClinVar variation 3903206 (VCV003903206.1).